The following is an entry in ClinVar:

NM_005633.4(SOS1):c.542A>G (p.Glu181Gly)

Gene: SOS1 (SOS Ras/Rac guanine nucleotide exchange factor 1; minus strand). Cytogenetic location: 2p22.1.
Variant type: single nucleotide variant.
Coding change: c.542A>G on transcript NM_005633.4 (MANE Select); coding-DNA position 542, A replaced by G.
Protein change: p.Glu181Gly; replaces glutamic acid 181 with glycine.
Molecular consequence: missense variant.
Genome position (GRCh38, 1-based): chr2:39,054,792, T>C on the plus strand (A>G on the coding strand, the complement: SOS1 is on the minus strand). VCF-style: chr2-39054792-T-C. GRCh37 (hg19) VCF-style: chr2-39281933-T-C.
Other names: c.521A>G, p.Glu174Gly (NM_001382394.1); c.542A>G, p.Glu181Gly (NM_001382395.1); short protein forms E174G, E181G.
Identifiers: ClinVar variation 1720559 (VCV001720559.5), dbSNP rs2465347463, ClinGen allele CA346373292.

ClinVar aggregate classification (germline): Uncertain significance (1 of 4 stars; one submission).

Conditions:
RASopathy. Also called: rasopathies; Noonan spectrum disorder. Identifiers: Orphanet 536391, MedGen C5555857, MONDO:0021060.

Submission:

Labcorp Genetics (formerly Invitae), Labcorp
Classification: Uncertain significance for RASopathy. Last evaluated: 2022-09-28. Review status: criteria provided, single submitter. Criteria: Invitae Variant Classification Sherloc (09022015). Collection method: clinical testing. Allele origin: germline.
Comment: This sequence change replaces glutamic acid, which is acidic and polar, with glycine, which is neutral and non-polar, at codon 181 of the SOS1 protein (p.Glu181Gly). This variant is not present in population databases (gnomAD no frequency). This variant has not been reported in the literature in individuals affected with SOS1-related conditions. Algorithms developed to predict the effect of missense changes on protein structure and function (SIFT, PolyPhen-2, Align-GVGD) all suggest that this variant is likely to be tolerated. In summary, the available evidence is currently insufficient to determine the role of this variant in disease. Therefore, it has been classified as a Variant of Uncertain Significance.